The following is an entry in ClinVar:

NM_006846.4(SPINK5):c.*330T>C

Gene: SPINK5 (serine peptidase inhibitor Kazal type 5; plus strand). Cytogenetic location: 5q32.
Variant type: single nucleotide variant.
Coding change: c.*330T>C on transcript NM_006846.4 (MANE Select); 330 bases downstream of the stop codon, T replaced by C.
Molecular consequence: 3 prime UTR variant.
Genome position (GRCh38, 1-based): chr5:148,137,321, T>C. VCF-style: chr5-148137321-T-C. GRCh37 (hg19) VCF-style: chr5-147516884-T-C.
Other names: c.*330T>C (NM_001127698.2).
Identifiers: ClinVar variation 351551 (VCV000351551.7), dbSNP rs72660265, ClinGen allele CA10623086.

ClinVar aggregate classification (germline): Benign. Review status: criteria provided, multiple submitters, no conflicts (2 of 4 stars). 2 submissions from 2 submitters: Benign (2). Last evaluated 2018-07-26.

Conditions:
Netherton syndrome (NETH). Also called: NETHERTON DISEASE; ERYTHRODERMA, ICHTHYOSIFORM, WITH HYPOTRICHOSIS AND HYPER-IgE; COMEL-NETHERTON SYNDROME. Identifiers: Orphanet 634, MedGen C5574950, MONDO:0009735, OMIM 256500.

Allele frequency attached by ClinVar (database versions not stated): gnomAD 0.09913 and 0.10816; TOPMed 0.10425; gnomAD exomes 0.12590; 1000 Genomes Project 30x 0.17146; 1000 Genomes Project 0.17432.
gnomAD v4.1: 48,594 of 408,650 alleles (12%); highest among the groups gnomAD compares: South Asian, 31%; 4,070 homozygotes.

Submissions (2):

GeneDx
Classification: Benign. Last evaluated: 2018-07-26. Review status: criteria provided, single submitter. Criteria: GeneDx Variant Classification Process June 2021. Collection method: clinical testing. Allele origin: germline. Affected: yes.

Illumina Laboratory Services, Illumina
Classification: Benign for Netherton syndrome. Last evaluated: 2018-01-13. Review status: criteria provided, single submitter. Criteria: ICSL Variant Classification Criteria 13 December 2019. Collection method: clinical testing. Allele origin: germline.
Comment: This variant was observed in the ICSL laboratory as part of a predisposition screen in an ostensibly healthy population. It had not been previously curated by ICSL or reported in the Human Gene Mutation Database (HGMD: prior to June 1st, 2018), and was therefore a candidate for classification through an automated scoring system. Utilizing variant allele frequency, disease prevalence and penetrance estimates, and inheritance mode, an automated score was calculated to assess if this variant is too frequent to cause the disease. Based on the score and internal cut-off values, a variant classified as benign is not then subjected to further curation. The score for this variant resulted in a classification of benign for this disease.